The following is an entry in ClinVar:

ClinVar aggregate classification (germline): Uncertain significance (1 of 4 stars; one submission).

Conditions:
TBX3-related disorder. Also called: TBX3-related condition.

Submission:

PreventionGenetics, part of Exact Sciences
Classification: Uncertain significance for TBX3-related condition. Last evaluated: 2025-08-13. Review status: criteria provided, single submitter. Criteria: ACMG Guidelines, 2015. Collection method: clinical testing. Allele origin: germline.
Comment: The TBX3 c.14T>A variant is predicted to result in the amino acid substitution p.Met5Lys. To our knowledge, this variant has not been reported in the literature or in a large population database (gnomAD), indicating this variant is rare. At this time, the clinical significance of this variant is uncertain due to the absence of conclusive functional and genetic evidence.

NM_005996.4(TBX3):c.14T>A (p.Met5Lys)

Genes: TBX3 (T-box transcription factor 3; minus strand), TBX3-AS1 (TBX3 antisense RNA 1; plus strand). Cytogenetic location: 12q24.21.
Variant type: single nucleotide variant.
Coding change: c.14T>A on transcript NM_005996.4 (MANE Select); coding-DNA position 14, T replaced by A.
Protein change: p.Met5Lys; replaces methionine 5 with lysine.
Molecular consequence: missense variant.
Genome position (GRCh38, 1-based): chr12:114,683,187, A>T on the plus strand (T>A on the coding strand, the complement: TBX3 is on the minus strand). VCF-style: chr12-114683187-A-T. GRCh37 (hg19) VCF-style: chr12-115120992-A-T.
Other names: c.14T>A, p.Met5Lys (NM_016569.4); short protein forms M5K.
Identifiers: ClinVar variation 4996653 (VCV004996653.1).
Genomic context (GRCh38, chr12:114,683,187, plus strand): 5'-GCCCGGTGAGGTAGGAACGGATGGTAGGCCATGCTTGTCCCAGGAATGACCGGATCTCTC[A>T]TGGAGAGGCTCATCCACTCCAGGCGGGGCGCTGGGCTCCAGCCGGGGACAAGTCCGCAGC-3'
Protein context (NP_005987.3, residues 1-15): MSLS[Met5Lys]RDPVIPGTSM